The following is an entry in ClinVar:

ClinVar aggregate classification (germline): Uncertain significance (1 of 4 stars; one submission).

Allele frequency attached by ClinVar (database versions not stated): gnomAD exomes below 0.00001; TOPMed below 0.00001.
gnomAD v4.1: 7 of 1,613,680 alleles (0.00043%); highest among the groups gnomAD compares: Non-Finnish European, 0.00042%; no homozygotes.

Submission:

Labcorp Genetics (formerly Invitae), Labcorp
Classification: Uncertain significance. Last evaluated: 2022-05-31. Review status: criteria provided, single submitter. Criteria: Invitae Variant Classification Sherloc (09022015). Collection method: clinical testing. Allele origin: germline.
Comment: This sequence change replaces aspartic acid, which is acidic and polar, with tyrosine, which is neutral and polar, at codon 1302 of the MYO5B protein (p.Asp1302Tyr). This variant is present in population databases (no rsID available, gnomAD 0.0009%). This variant has not been reported in the literature in individuals affected with MYO5B-related conditions. Algorithms developed to predict the effect of missense changes on protein structure and function are either unavailable or do not agree on the potential impact of this missense change (SIFT: "Deleterious"; PolyPhen-2: "Probably Damaging"; Align-GVGD: "Class C15"). In summary, the available evidence is currently insufficient to determine the role of this variant in disease. Therefore, it has been classified as a Variant of Uncertain Significance.

NM_001080467.3(MYO5B):c.3904G>T (p.Asp1302Tyr)

Gene: MYO5B (myosin VB; minus strand). Cytogenetic location: 18q21.1.
Variant type: single nucleotide variant.
Coding change: c.3904G>T on transcript NM_001080467.3 (MANE Select); coding-DNA position 3904, G replaced by T.
Protein change: p.Asp1302Tyr; replaces aspartic acid 1302 with tyrosine.
Molecular consequence: missense variant.
Genome position (GRCh38, 1-based): chr18:49,863,267, C>A on the plus strand (G>T on the coding strand, the complement: MYO5B is on the minus strand). VCF-style: chr18-49863267-C-A. GRCh37 (hg19) VCF-style: chr18-47389637-C-A.
Other names: short protein forms D1302Y.
Identifiers: ClinVar variation 2047386 (VCV002047386.4), dbSNP rs901130766, ClinGen allele CA299965350.